The following is an entry in ClinVar:

ClinVar aggregate classification (germline): Likely pathogenic (1 of 4 stars; one submission).

Submission:

Ambry Genetics
Classification: Likely pathogenic. Last evaluated: 2025-11-17. Review status: criteria provided, single submitter. Criteria: Ambry Variant Classification Scheme 2023. Collection method: clinical testing. Allele origin: germline.
Comment: The c.3663+1G>T intronic variant results from a G to T substitution one nucleotide after exon 6 (coding exon 5) of the ZFHX3 gene. Alterations that disrupt the canonical splice site are expected to cause aberrant splicing, resulting in an abnormal protein or a transcript that is subject to nonsense-mediated mRNA decay. This variant was not reported in population-based cohorts in the Genome Aggregation Database (gnomAD). This nucleotide position is highly conserved in available vertebrate species. In silico splice site analysis predicts that this alteration will weaken the native splice donor site and will result in the creation or strengthening of a novel splice donor site. Based on the available evidence, this alteration is classified as likely pathogenic.

NM_006885.4(ZFHX3):c.3663+1G>T

Genes: ZFHX3 (zinc finger homeobox 3; minus strand), ZFHX3-AS1 (ZFHX3 antisense RNA 1; plus strand). Cytogenetic location: 16q22.3.
Variant type: single nucleotide variant.
Coding change: c.3663+1G>T on transcript NM_006885.4 (MANE Select); the canonical splice donor site of the intron after coding-DNA position 3663, G replaced by T.
Molecular consequence: splice donor variant.
Genome position (GRCh38, 1-based): chr16:72,811,904, C>A on the plus strand (G>T on the coding strand, the complement: ZFHX3 is on the minus strand). VCF-style: chr16-72811904-C-A. GRCh37 (hg19) VCF-style: chr16-72845803-C-A.
Other names: c.3663+1G>T (NM_001386735.1); c.921+1G>T (NM_001164766.2).
Identifiers: ClinVar variation 4607419 (VCV004607419.1).
Genomic context (GRCh38, chr16:72,811,904, plus strand): 5'-GTTCCCTACCAATGTCTAAAACACCTCACCTCCCCACCAGCAGAGTCCCTTCCAGCCTCA[C>A]CTGCTCCGGTTTGATCTCCTCAGCTGTTTTTGGTCGCTTCGAAGAGAGGGGAGACTCTGA-3'